The following is an entry in ClinVar:

NM_032119.4(ADGRV1):c.15497C>G (p.Thr5166Arg)

Gene: ADGRV1 (adhesion G protein-coupled receptor V1; plus strand). Cytogenetic location: 5q14.3.
Variant type: single nucleotide variant.
Coding change: c.15497C>G on transcript NM_032119.4 (MANE Select); coding-DNA position 15497, C replaced by G.
Protein change: p.Thr5166Arg; replaces threonine 5166 with arginine.
Molecular consequence: missense variant. On other transcripts: non-coding transcript variant (1).
Genome position (GRCh38, 1-based): chr5:90,810,757, C>G. VCF-style: chr5-90810757-C-G. GRCh37 (hg19) VCF-style: chr5-90106574-C-G.
Other names: short protein forms T5166R.
Identifiers: ClinVar variation 1388436 (VCV001388436.6), dbSNP rs375860783, ClinGen allele CA360409796.

ClinVar aggregate classification (germline): Uncertain significance (1 of 4 stars; one submission).

Submission:

Labcorp Genetics (formerly Invitae), Labcorp
Classification: Uncertain significance. Last evaluated: 2023-06-26. Review status: criteria provided, single submitter. Criteria: Invitae Variant Classification Sherloc (09022015). Collection method: clinical testing. Allele origin: germline.
Comment: This sequence change replaces threonine, which is neutral and polar, with arginine, which is basic and polar, at codon 5166 of the ADGRV1 protein (p.Thr5166Arg). This variant is not present in population databases (gnomAD no frequency). This variant has not been reported in the literature in individuals affected with ADGRV1-related conditions. ClinVar contains an entry for this variant (Variation ID: 1388436). An algorithm developed to predict the effect of missense changes on protein structure and function (PolyPhen-2) suggests that this variant is likely to be tolerated. In summary, the available evidence is currently insufficient to determine the role of this variant in disease. Therefore, it has been classified as a Variant of Uncertain Significance.